The following is an entry in ClinVar:

ClinVar aggregate classification (germline): Likely benign (1 of 4 stars; one submission).

Conditions:
GNAS-related disorder. Identifiers: MedGen CN380105.

Submission:

PreventionGenetics, part of Exact Sciences
Classification: Likely benign for GNAS-related condition. Last evaluated: 2026-09-21. Review status: criteria provided, single submitter. Criteria: ACMG Guidelines, 2015. Collection method: clinical testing. Allele origin: germline.
Comment: This variant is classified as likely benign based on ACMG/AMP sequence variant interpretation guidelines (Richards et al. 2015 PMID: 25741868, with internal and published modifications).

NM_016592.5(GNAS):c.435C>T (p.Arg145=)

Genes: GNAS (GNAS complex locus; plus strand), GNAS-AS1 (GNAS antisense RNA 1; minus strand). Cytogenetic location: 20q13.32.
Variant type: single nucleotide variant.
Coding change: c.435C>T on transcript NM_016592.5 (MANE Plus Clinical); coding-DNA position 435, C replaced by T.
Protein change: p.Arg145=; no amino-acid change (arginine 145 retained).
Molecular consequence: synonymous variant. On other transcripts: 5 prime UTR variant (1).
Genome position (GRCh38, 1-based): chr20:58,840,541, C>T. VCF-style: chr20-58840541-C-T. GRCh37 (hg19) VCF-style: chr20-57415596-C-T.
Other names: c.-303C>T (NM_001410912.1).
Identifiers: ClinVar variation 4983578 (VCV004983578.1).